The following is an entry in ClinVar:

ClinVar aggregate classification (germline): Conflicting classifications of pathogenicity. Review status: criteria provided, conflicting classifications (1 of 4 stars). 4 submissions from 4 submitters: Uncertain significance (3); Benign (1). Last evaluated 2025-06-16.

Conditions:
IMPG1-related disorder. Also called: IMPG1-related condition.
Benign concentric annular macular dystrophy. Identifiers: Orphanet 251287, MedGen C5561925, MONDO:0007934, OMIM 153870.
Vitelliform macular dystrophy 4. Identifiers: Orphanet 99000, MedGen C4015342, MONDO:0014508, OMIM 616151.
Retinal dystrophy. Also called: Inherited retinal dystrophy. Identifiers: Orphanet 71862, MedGen C0854723, MeSH D058499, MONDO:0019118, HP:0000556.

Allele frequency attached by ClinVar (database versions not stated): gnomAD 0.00002 and 0.00007; TOPMed 0.00002; ExAC 0.00005; gnomAD exomes 0.00006 and 0.00012.
gnomAD v4.1: 183 of 1,613,488 alleles (0.011%); highest among the groups gnomAD compares: East Asian, 0.41%; no homozygotes.

Submissions (4):

PreventionGenetics, part of Exact Sciences
Classification: Uncertain significance for IMPG1-related condition. Last evaluated: 2025-06-16. Review status: criteria provided, single submitter. Criteria: ACMG Guidelines, 2015. Collection method: clinical testing. Allele origin: germline.
Comment: The IMPG1 c.773A>G variant is predicted to result in the amino acid substitution p.Tyr258Cys. To our knowledge, this variant has not been reported in the literature. This variant is reported in 0.087% of alleles in individuals of East Asian descent in gnomAD, which may be too frequent to be a primary cause of disease. Although we suspect that this variant may be benign, at this time, the clinical significance of this variant is uncertain due to the absence of conclusive functional and genetic evidence.

Labcorp Genetics (formerly Invitae), Labcorp
Classification: Uncertain significance. Last evaluated: 2025-02-03. Review status: criteria provided, single submitter. Criteria: Invitae Variant Classification Sherloc (09022015). Collection method: clinical testing. Allele origin: germline.
Comment: This sequence change replaces tyrosine, which is neutral and polar, with cysteine, which is neutral and slightly polar, at codon 258 of the IMPG1 protein (p.Tyr258Cys). This variant is present in population databases (rs774869075, gnomAD 0.09%). This variant has not been reported in the literature in individuals affected with IMPG1-related conditions. ClinVar contains an entry for this variant (Variation ID: 846627). An algorithm developed to predict the effect of missense changes on protein structure and function (PolyPhen-2) suggests that this variant is likely to be disruptive. In summary, the available evidence is currently insufficient to determine the role of this variant in disease. Therefore, it has been classified as a Variant of Uncertain Significance.

Dept Of Ophthalmology, Nagoya University
Classification: Benign for Retinal dystrophy. Last evaluated: 2023-10-01. Review status: criteria provided, single submitter. Criteria: Submitter's publication. Collection method: research. Allele origin: germline. Affected: yes.

Department of Pathology and Laboratory Medicine, Sinai Health System
Classification: Uncertain significance for Benign concentric annular macular dystrophy; Vitelliform macular dystrophy 4. Last evaluated: 2022-05-05. Review status: criteria provided, single submitter. Criteria: ACMG Guidelines, 2015. Collection method: research. Allele origin: germline.

NM_001563.4(IMPG1):c.773A>G (p.Tyr258Cys)

Gene: IMPG1 (interphotoreceptor matrix proteoglycan 1; minus strand). Cytogenetic location: 6q14.1.
Variant type: single nucleotide variant.
Coding change: c.773A>G on transcript NM_001563.4 (MANE Select); coding-DNA position 773, A replaced by G.
Protein change: p.Tyr258Cys; replaces tyrosine 258 with cysteine.
Molecular consequence: missense variant.
Genome position (GRCh38, 1-based): chr6:76,018,752, T>C on the plus strand (A>G on the coding strand, the complement: IMPG1 is on the minus strand). VCF-style: chr6-76018752-T-C. GRCh37 (hg19) VCF-style: chr6-76728469-T-C.
Other names: c.539A>G, p.Tyr180Cys (NM_001282368.2); short protein forms Y258C, Y180C.
Identifiers: ClinVar variation 846627 (VCV000846627.10), dbSNP rs774869075, ClinGen allele CA3898344.
Genomic context (GRCh38, chr6:76,018,752, plus strand): 5'-TGGTTGTATGGGCCGGGTCTACTCACCTGAAGTTGGGACTTTCCTGCTAGCTCCTGGTAA[T>C]ATGGGGACTGGGAGTCAGCGAGCTCTGCCTTGAACTTCTGGTTTACCAGAGAGACGCTGA-3'
Protein context (NP_001554.2, residues 248-268): KAELADSQSP[Tyr258Cys]YQELAGKSQL